The following is an entry in ClinVar:

ClinVar aggregate classification (germline): Uncertain significance. Review status: criteria provided, multiple submitters, no conflicts (2 of 4 stars). 2 submissions from 2 submitters: Uncertain significance (2). Last evaluated 2024-10-28.

Conditions:
Dilated cardiomyopathy 1G (CMD1G). Identifiers: Orphanet 154, MedGen C1858763, MONDO:0011400, OMIM 604145.
Autosomal recessive limb-girdle muscular dystrophy type 2J (LGMDR10). Also called: Limb-girdle muscular dystrophy, type 2J; MUSCULAR DYSTROPHY, LIMB-GIRDLE, AUTOSOMAL RECESSIVE 10. Identifiers: Orphanet 140922, MedGen C1837342, MONDO:0012127, OMIM 608807.

Submissions (2):

GeneDx
Classification: Uncertain significance. Last evaluated: 2024-10-28. Review status: criteria provided, single submitter. Criteria: GeneDx Variant Classification Process June 2021. Collection method: clinical testing. Allele origin: germline. Affected: yes.
Comment: Not observed at significant frequency in large population cohorts (gnomAD); Missense variant in a gene in which most reported pathogenic variants are truncating/loss of function; Has not been previously published as pathogenic or benign to our knowledge

Labcorp Genetics (formerly Invitae), Labcorp
Classification: Uncertain significance for Dilated cardiomyopathy 1G; Autosomal recessive limb-girdle muscular dystrophy type 2J. Last evaluated: 2020-07-09. Review status: criteria provided, single submitter. Criteria: Invitae Variant Classification Sherloc (09022015). Collection method: clinical testing. Allele origin: germline.
Comment: Algorithms developed to predict the effect of missense changes on protein structure and function are unavailable for the TTN gene. This variant is located in the M band of TTN (PMID: 25589632). Variants in this region may be relevant for neuromuscular disorders, but have not been definitively shown to cause cardiomyopathy (PMID: 23975875). This variant has not been reported in the literature in individuals with TTN-related conditions. This variant is not present in population databases (ExAC no frequency). This sequence change replaces glutamine with arginine at codon 35531 of the TTN protein (p.Gln35531Arg). There is a small physicochemical difference between glutamine and arginine. In summary, the available evidence is currently insufficient to determine the role of this variant in disease. Therefore, it has been classified as a Variant of Uncertain Significance.

Literature cited by the submitters: PubMed 25589632 (cited by Labcorp Genetics (formerly Invitae), Labcorp); PubMed 23975875 (cited by Labcorp Genetics (formerly Invitae), Labcorp).

NM_001267550.2(TTN):c.106592A>G (p.Gln35531Arg)

Genes: TTN-AS1 (TTN antisense RNA 1; plus strand), TTN (titin; minus strand). Cytogenetic location: 2q31.2.
Variant type: single nucleotide variant.
Coding change: c.106592A>G on transcript NM_001267550.2 (MANE Select); coding-DNA position 106592, A replaced by G.
Protein change: p.Gln35531Arg; replaces glutamine 35531 with arginine.
Molecular consequence: missense variant.
Genome position (GRCh38, 1-based): chr2:178,529,159, T>C on the plus strand (A>G on the coding strand, the complement: TTN is on the minus strand). VCF-style: chr2-178529159-T-C. GRCh37 (hg19) VCF-style: chr2-179393886-T-C.
Other names: c.106592A>G (NM_001267550.1); c.101669A>G, p.Gln33890Arg (NM_001256850.1); c.79397A>G, p.Gln26466Arg (NM_003319.4); c.98888A>G, p.Gln32963Arg (NM_133378.4); c.79772A>G, p.Gln26591Arg (NM_133432.3); c.79973A>G, p.Gln26658Arg (NM_133437.4); short protein forms Q26466R, Q26591R, Q26658R, Q32963R, Q33890R, Q35531R.
Identifiers: ClinVar variation 1000941 (VCV001000941.8), dbSNP rs1687861665, ClinGen allele CA349404231.